The following is an entry in ClinVar:

NM_000642.3(AGL):c.2921T>C (p.Leu974Pro)

Gene: AGL (amylo-alpha-1,6-glucosidase and 4-alpha-glucanotransferase; plus strand). Cytogenetic location: 1p21.2.
Variant type: single nucleotide variant.
Coding change: c.2921T>C on transcript NM_000642.3 (MANE Select); coding-DNA position 2921, T replaced by C.
Protein change: p.Leu974Pro; replaces leucine 974 with proline.
Molecular consequence: missense variant.
Genome position (GRCh38, 1-based): chr1:99,891,328, T>C. VCF-style: chr1-99891328-T-C. GRCh37 (hg19) VCF-style: chr1-100356884-T-C.
Other names: c.2921T>C, p.Leu974Pro (NM_000028.3, NM_000643.3, NM_000644.3 and 1 more transcripts); c.2873T>C, p.Leu958Pro (NM_000646.3); c.2900T>C, p.Leu967Pro (NM_001425326.1); c.2720T>C, p.Leu907Pro (NM_001425327.1); c.2717T>C, p.Leu906Pro (NM_001425328.1); c.2582T>C, p.Leu861Pro (NM_001425329.1); c.2543T>C, p.Leu848Pro (NM_001425332.1); short protein forms L958P, L974P, L848P, L861P, L906P, L907P, L967P.
Identifiers: ClinVar variation 1463794 (VCV001463794.3), dbSNP rs1652882425, ClinGen allele CA341325298.
Genomic context (GRCh38, chr1:99,891,328, plus strand): 5'-ATCCTTTTTGTAATAATTTGAGATCTGGAGATTGGATGATTGACTATGTCAGTAACCGGC[T>C]TATTTCACGATCAGGAACTATTGCTGAAGTAAGTAGAGCTATATTATCGTCCCAAAAAAT-3'
Protein context (NP_000633.2, residues 964-984): DWMIDYVSNR[Leu974Pro]ISRSGTIAEV

ClinVar aggregate classification (germline): Uncertain significance (1 of 4 stars; one submission).

Conditions:
Glycogen storage disease type III (GSD3). Also called: Cori disease; FORBES DISEASE. Identifiers: Orphanet 366, MedGen C0017922, MONDO:0009291, OMIM 232400.

Allele frequency attached by ClinVar (database versions not stated): TOPMed below 0.00001; gnomAD 0.00001; gnomAD exomes 0.00001.
gnomAD v4.1: 4 of 1,613,672 alleles (0.00025%); highest among the groups gnomAD compares: Non-Finnish European, 0.00034%; no homozygotes.

Submission:

Labcorp Genetics (formerly Invitae), Labcorp
Classification: Uncertain significance for Glycogen storage disease type III. Last evaluated: 2021-11-17. Review status: criteria provided, single submitter. Criteria: Invitae Variant Classification Sherloc (09022015). Collection method: clinical testing. Allele origin: germline.
Comment: This sequence change replaces leucine, which is neutral and non-polar, with proline, which is neutral and non-polar, at codon 974 of the AGL protein (p.Leu974Pro). This variant is not present in population databases (gnomAD no frequency). This variant has not been reported in the literature in individuals affected with AGL-related conditions. Algorithms developed to predict the effect of missense changes on protein structure and function are either unavailable or do not agree on the potential impact of this missense change (SIFT: "Deleterious"; PolyPhen-2: "Probably Damaging"; Align-GVGD: "Class C0"). In summary, the available evidence is currently insufficient to determine the role of this variant in disease. Therefore, it has been classified as a Variant of Uncertain Significance.